The following is an entry in ClinVar:

NM_000153.4(GALC):c.199A>C (p.Thr67Pro)

Gene: GALC (galactosylceramidase; minus strand). Cytogenetic location: 14q31.3.
Variant type: single nucleotide variant.
Coding change: c.199A>C on transcript NM_000153.4 (MANE Select); coding-DNA position 199, A replaced by C.
Protein change: p.Thr67Pro; replaces threonine 67 with proline.
Molecular consequence: missense variant. On other transcripts: intron variant (1).
Genome position (GRCh38, 1-based): chr14:87,988,520, T>G on the plus strand (A>C on the coding strand, the complement: GALC is on the minus strand). VCF-style: chr14-87988520-T-G. GRCh37 (hg19) VCF-style: chr14-88454864-T-G.
Other names: c.121A>C, p.Thr41Pro (NM_001201402.2); c.196-313A>C (NM_001201401.2); short protein forms T41P, T67P.
Identifiers: ClinVar variation 1479625 (VCV001479625.8), dbSNP rs2139759522, ClinGen allele CA390753450.

ClinVar aggregate classification (germline): Likely pathogenic (1 of 4 stars; one submission).

Conditions:
Galactosylceramide beta-galactosidase deficiency. Also called: Krabbe Disease; Leukodystrophy, Globoid Cell; GALACTOCEREBROSIDASE DEFICIENCY; GALC DEFICIENCY; GLOBOID CELL LEUKOENCEPHALOPATHY. Identifiers: Orphanet 487, MedGen C0023521, MONDO:0009499, OMIM 245200.

Allele frequency attached by ClinVar (database versions not stated): gnomAD exomes below 0.00001.
gnomAD v4.1: 1 of 1,610,674 alleles (0.000062%); highest among the groups gnomAD compares: Non-Finnish European, 0.000085%; no homozygotes.

Submission:

Labcorp Genetics (formerly Invitae), Labcorp
Classification: Likely pathogenic for Galactosylceramide beta-galactosidase deficiency. Last evaluated: 2021-06-02. Review status: criteria provided, single submitter. Criteria: Invitae Variant Classification Sherloc (09022015). Collection method: clinical testing. Allele origin: germline.
Comment: This sequence change replaces threonine with proline at codon 67 of the GALC protein (p.Thr67Pro). The threonine residue is highly conserved and there is a small physicochemical difference between threonine and proline. This variant is not present in population databases (ExAC no frequency). This variant has not been reported in the literature in individuals with GALC-related conditions. Advanced modeling of protein sequence and biophysical properties (such as structural, functional, and spatial information, amino acid conservation, physicochemical variation, residue mobility, and thermodynamic stability) performed at Invitae indicates that this missense variant is expected to disrupt GALC protein function. This variant disrupts the p.Thr67 amino acid residue in GALC. Other variant(s) that disrupt this residue have been determined to be pathogenic (PMID: 23197103). This suggests that this residue is clinically significant, and that variants that disrupt this residue are likely to be disease-causing. In summary, the currently available evidence indicates that the variant is pathogenic, but additional data are needed to prove that conclusively. Therefore, this variant has been classified as Likely Pathogenic.

Literature cited by the submitters: PubMed 23197103.